The following is an entry in ClinVar:

NM_000702.4(ATP1A2):c.2143G>A (p.Gly715Arg)

Gene: ATP1A2 (ATPase Na+/K+ transporting subunit alpha 2; plus strand). Cytogenetic location: 1q23.2.
Variant type: single nucleotide variant.
Coding change: c.2143G>A on transcript NM_000702.4 (MANE Select); coding-DNA position 2143, G replaced by A.
Protein change: p.Gly715Arg; replaces glycine 715 with arginine.
Molecular consequence: missense variant.
Genome position (GRCh38, 1-based): chr1:160,135,461, G>A. VCF-style: chr1-160135461-G-A. GRCh37 (hg19) VCF-style: chr1-160105251-G-A.
Other names: short protein forms G715R.
Identifiers: ClinVar variation 446869 (VCV000446869.13), dbSNP rs1553245771, ClinGen allele CA343248929.
Genomic context (GRCh38, chr1:160,135,461, plus strand): 5'-TTTCGTCCTCAAGTGTGGCCGTCTTCCCTCCAGGGAGCCATTGTGGCCGTGACGGGTGAC[G>A]GGGTGAACGACTCCCCTGCATTGAAGAAGGCTGACATTGGCATTGCCATGGGCATCTCTG-3'
Protein context (NP_000693.1, residues 705-725): QGAIVAVTGD[Gly715Arg]VNDSPALKKA

ClinVar aggregate classification (germline): Pathogenic. Review status: criteria provided, multiple submitters, no conflicts (2 of 4 stars). 5 submissions from 5 submitters: Pathogenic (5). Last evaluated 2026-07-06.

Conditions:
Familial hemiplegic migraine. Identifiers: MedGen C0338484, MONDO:0000700.
Epilepsy. Also called: Seizure disorder. Identifiers: MedGen C0014544, MeSH D004827, MONDO:0005027.
Migraine, familial hemiplegic, 2. Identifiers: Orphanet 569, MedGen C1865322, MONDO:0011232, OMIM 602481.

Submissions (5):

Cytogénomique, Hospices Civils de Lyon
Classification: Pathogenic for Epilepsy. Last evaluated: 2026-07-06. Review status: criteria provided, single submitter. Criteria: ACMG Guidelines, 2015. Collection method: clinical testing. Allele origin: germline. Affected: yes.

Equipe Genetique des Anomalies du Developpement, Université de Bourgogne
Classification: Pathogenic for Migraine, familial hemiplegic, 2. Last evaluated: 2025-05-21. Review status: criteria provided, single submitter. Criteria: ACMG Guidelines, 2015. Collection method: clinical testing. Allele origin: germline. Affected: yes.
Comment: This is a missense, heterozygous variant NM_000702.4:c.2143G>A p.(Gly715Arg) in the gene ATP1A2. Monoallelic variants in this gene are responsible for familial hemiplegic migraine with autosomal dominant inheritance (OMIM #602481). This variant is not reported in the database gnomAD (v4.1.0). It is a recurrent variant previously reported as pathogenic in ClinVar and described in several individuals affected with familial hemiplegic migraine (PMID: 21352219, PMID: 37576133). It is located within a functional domain (hydroxylase), and in silico prediction scores support a deleterious effect. According to current evidence, this variant is considered pathogenic.

Labcorp Genetics (formerly Invitae), Labcorp
Classification: Pathogenic for Familial hemiplegic migraine. Last evaluated: 2025-01-25. Review status: criteria provided, single submitter. Criteria: Invitae Variant Classification Sherloc (09022015). Collection method: clinical testing. Allele origin: germline.
Comment: This sequence change replaces glycine, which is neutral and non-polar, with arginine, which is basic and polar, at codon 715 of the ATP1A2 protein (p.Gly715Arg). This variant is not present in population databases (gnomAD no frequency). This missense change has been observed in individual(s) with hemiplegic migraine (PMID: 21352219; internal data). In at least one individual the variant was observed to be de novo. ClinVar contains an entry for this variant (Variation ID: 446869). Invitae Evidence Modeling of protein sequence and biophysical properties (such as structural, functional, and spatial information, amino acid conservation, physicochemical variation, residue mobility, and thermodynamic stability) indicates that this missense variant is expected to disrupt ATP1A2 protein function with a positive predictive value of 80%. For these reasons, this variant has been classified as Pathogenic.

Athena Diagnostics
Classification: Pathogenic. Last evaluated: 2025-01-23. Review status: criteria provided, single submitter. Criteria: Athena Diagnostics Criteria. Collection method: clinical testing. Allele origin: unknown.
Comment: This variant has not been reported in large, multi-ethnic general populations. This variant has been identified de novo in multiple individuals with epileptic encephalopathy and hemiplegic migraine.

GeneDx
Classification: Pathogenic. Last evaluated: 2022-08-23. Review status: criteria provided, single submitter. Criteria: GeneDx Variant Classification Process June 2021. Collection method: clinical testing. Allele origin: germline. Affected: yes.
Comment: Not observed at significant frequency in large population cohorts (gnomAD); In silico analysis supports that this missense variant has a deleterious effect on protein structure/function; This variant is associated with the following publications: (PMID: 27818813, 23671257, 22067897, 18184292, 35658369, 21352219, 34229663)

Literature cited by the submitters: PubMed 21352219 (cited by 3 submitters); PubMed 37576133 (cited by Equipe Genetique des Anomalies du Developpement, Université de Bourgogne and Athena Diagnostics); PubMed 34229663 (cited by Athena Diagnostics); PubMed 38674378 (cited by Athena Diagnostics); PubMed 35658369 (cited by Athena Diagnostics); PubMed 37142513 (cited by Athena Diagnostics).